The following is an entry in ClinVar:

NM_018475.5(TMEM165):c.199C>T (p.Arg67Trp)

Genes: TMEM165 (transmembrane protein 165; plus strand), LOC129992613 (ATAC-STARR-seq lymphoblastoid silent region 15439; plus strand). Cytogenetic location: 4q12.
Variant type: single nucleotide variant.
Coding change: c.199C>T on transcript NM_018475.5 (MANE Select); coding-DNA position 199, C replaced by T.
Protein change: p.Arg67Trp; replaces arginine 67 with tryptophan.
Molecular consequence: missense variant. On other transcripts: non-coding transcript variant (1).
Genome position (GRCh38, 1-based): chr4:55,396,388, C>T. VCF-style: chr4-55396388-C-T. GRCh37 (hg19) VCF-style: chr4-56262555-C-T.
Other names: short protein forms R67W.
Identifiers: ClinVar variation 976572 (VCV000976572.6), dbSNP rs768223101, ClinGen allele CA2925451.

ClinVar aggregate classification (germline): Uncertain significance. Review status: criteria provided, multiple submitters, no conflicts (2 of 4 stars). 2 submissions from 2 submitters: Uncertain significance (2). Last evaluated 2022-08-17.

Conditions:
TMEM165-congenital disorder of glycosylation. Also called: Congenital disorder of glycosylation type 2k; TMEM165-CDG; CDG IIk. Identifiers: Orphanet 314667, MedGen C3553571, MONDO:0013870, OMIM 614727.

Allele frequency attached by ClinVar (database versions not stated): gnomAD exomes 0.00004; TOPMed 0.00007.
gnomAD v4.1: 39 of 1,485,370 alleles (0.0026%); highest among the groups gnomAD compares: African/African-American, 0.029%; no homozygotes.

Submissions (2):

Labcorp Genetics (formerly Invitae), Labcorp
Classification: Uncertain significance for TMEM165-congenital disorder of glycosylation. Last evaluated: 2022-08-17. Review status: criteria provided, single submitter. Criteria: Invitae Variant Classification Sherloc (09022015). Collection method: clinical testing. Allele origin: germline.
Comment: This sequence change replaces arginine, which is basic and polar, with tryptophan, which is neutral and slightly polar, at codon 67 of the TMEM165 protein (p.Arg67Trp). This variant is present in population databases (rs768223101, gnomAD 0.02%). This variant has not been reported in the literature in individuals affected with TMEM165-related conditions. ClinVar contains an entry for this variant (Variation ID: 976572). Algorithms developed to predict the effect of missense changes on protein structure and function are either unavailable or do not agree on the potential impact of this missense change (SIFT: "Deleterious"; PolyPhen-2: "Benign"; Align-GVGD: "Class C0"). In summary, the available evidence is currently insufficient to determine the role of this variant in disease. Therefore, it has been classified as a Variant of Uncertain Significance.

Illumina Laboratory Services, Illumina
Classification: Uncertain significance for TMEM165-congenital disorder of glycosylation. Last evaluated: 2018-01-13. Review status: criteria provided, single submitter. Criteria: ICSL Variant Classification Criteria 13 December 2019. Collection method: clinical testing. Allele origin: germline.